The following is an entry in ClinVar:

ClinVar aggregate classification (germline): Conflicting classifications of pathogenicity. Review status: criteria provided, conflicting classifications (1 of 4 stars). 3 submissions from 3 submitters: Uncertain significance (1); Likely benign (1). 1 of the submissions does not count toward it. Last evaluated 2017-08-18.

Conditions:
SHANK3-related disorder. Also called: SHANK3-related condition.
Inborn genetic diseases. Identifiers: MedGen C0950123, MeSH D030342.

Allele frequency attached by ClinVar (database versions not stated): ExAC 0.00012; gnomAD 0.00012 and 0.00013; TOPMed 0.00012; ESP Exome Variant Server 0.00016.

Submissions (3):

Genetic Services Laboratory, University of Chicago
Classification: Uncertain significance. Last evaluated: 2017-08-18. Review status: criteria provided, single submitter. Criteria: ACMG Guidelines, 2015. Collection method: clinical testing. Allele origin: germline. Affected: no.

Ambry Genetics
Classification: Likely benign for Inborn genetic diseases. Last evaluated: 2016-08-17. Review status: criteria provided, single submitter. Criteria: Ambry Variant Classification Scheme 2023. Collection method: clinical testing. Allele origin: germline.

PreventionGenetics, part of Exact Sciences
Classification: Likely benign for SHANK3-related condition. Last evaluated: 2024-01-23. Review status: no assertion criteria provided. Collection method: clinical testing. Allele origin: germline. Not counted in ClinVar's aggregate classification.
Comment: This variant is classified as likely benign based on ACMG/AMP sequence variant interpretation guidelines (Richards et al. 2015 PMID: 25741868, with internal and published modifications).

NM_001372044.2(SHANK3):c.1398C>G (p.Pro466=)

Gene: SHANK3 (SH3 and multiple ankyrin repeat domains 3; plus strand). Cytogenetic location: 22q13.33.
Variant type: single nucleotide variant.
Coding change: c.1398C>G on transcript NM_001372044.2 (MANE Select); coding-DNA position 1398, C replaced by G.
Protein change: p.Pro466=; no amino-acid change (proline 466 retained).
Molecular consequence: synonymous variant.
Genome position (GRCh38, 1-based): chr22:50,694,917, C>G. VCF-style: chr22-50694917-C-G. GRCh37 (hg19) VCF-style: chr22-51133345-C-G.
Other names: NM_001080420.1:c.1173C>G; c.1173C>G, p.Pro391= (NM_033517.1).
Identifiers: ClinVar variation 587761 (VCV000587761.11), dbSNP rs371565755, ClinGen allele CA10325480.